The following is an entry in ClinVar:

NM_001378452.1(ITPR1):c.337A>G (p.Thr113Ala)

Gene: ITPR1 (inositol 1,4,5-trisphosphate receptor type 1; plus strand). Cytogenetic location: 3p26.1.
Variant type: single nucleotide variant.
Coding change: c.337A>G on transcript NM_001378452.1 (MANE Select); coding-DNA position 337, A replaced by G.
Protein change: p.Thr113Ala; replaces threonine 113 with alanine.
Molecular consequence: missense variant.
Genome position (GRCh38, 1-based): chr3:4,639,441, A>G. VCF-style: chr3-4639441-A-G. GRCh37 (hg19) VCF-style: chr3-4681125-A-G.
Other names: c.337A>G, p.Thr113Ala (NM_001099952.4, NM_001168272.2, NM_002222.7); short protein forms T113A.
Identifiers: ClinVar variation 1309457 (VCV001309457.9), dbSNP rs745891343, ClinGen allele CA2230850.

ClinVar aggregate classification (germline): Uncertain significance. Review status: criteria provided, multiple submitters, no conflicts (2 of 4 stars). 2 submissions from 2 submitters: Uncertain significance (2). Last evaluated 2022-11-15.

Allele frequency attached by ClinVar (database versions not stated): gnomAD exomes 0.00001; TOPMed 0.00002; ExAC 0.00003; gnomAD 0.00003.
gnomAD v4.1: 13 of 1,582,128 alleles (0.00082%); highest among the groups gnomAD compares: African/African-American, 0.0027%; no homozygotes.

Submissions (2):

Labcorp Genetics (formerly Invitae), Labcorp
Classification: Uncertain significance. Last evaluated: 2022-11-15. Review status: criteria provided, single submitter. Criteria: Invitae Variant Classification Sherloc (09022015). Collection method: clinical testing. Allele origin: germline.
Comment: The frequency data for this variant in the population databases is considered unreliable, as metrics indicate poor data quality at this position in the gnomAD database. This sequence change replaces threonine, which is neutral and polar, with alanine, which is neutral and non-polar, at codon 113 of the ITPR1 protein (p.Thr113Ala). This variant has not been reported in the literature in individuals affected with ITPR1-related conditions. ClinVar contains an entry for this variant (Variation ID: 1309457). Advanced modeling of protein sequence and biophysical properties (such as structural, functional, and spatial information, amino acid conservation, physicochemical variation, residue mobility, and thermodynamic stability) has been performed at Invitae for this missense variant, however the output from this modeling did not meet the statistical confidence thresholds required to predict the impact of this variant on ITPR1 protein function. In summary, the available evidence is currently insufficient to determine the role of this variant in disease. Therefore, it has been classified as a Variant of Uncertain Significance.

GeneDx
Classification: Uncertain significance. Last evaluated: 2019-10-16. Review status: criteria provided, single submitter. Criteria: GeneDx Variant Classification Process June 2021. Collection method: clinical testing. Allele origin: germline. Affected: yes.
Comment: In silico analysis, which includes protein predictors and evolutionary conservation, supports a deleterious effect; Has not been previously published as pathogenic or benign to our knowledge